The following is an entry in ClinVar:

ClinVar aggregate classification (germline): Pathogenic. Review status: criteria provided, multiple submitters, no conflicts (2 of 4 stars). 5 submissions from 5 submitters: Pathogenic (4). 1 of the submissions does not count toward it. Last evaluated 2022-10-19.

Conditions:
Developmental disorder. Identifiers: MedGen C0008073.
Inborn genetic diseases. Identifiers: MedGen C0950123, MeSH D030342.
Intellectual disability-severe speech delay-mild dysmorphism syndrome (IDDLA). Also called: Mental retardation with language impairment and autistic features; FOXP1 Syndrome; Intellectual developmental disorder with language impairment AND with or without autistic features. Identifiers: Orphanet 391372, MedGen C4013764, MONDO:0013352, OMIM 613670.

Submissions (5):

GeneDx
Classification: Pathogenic. Last evaluated: 2022-10-19. Review status: criteria provided, single submitter. Criteria: GeneDx Variant Classification Process June 2021. Collection method: clinical testing. Allele origin: germline. Affected: yes.
Comment: In a cohort of individuals with FOXP1 pathogenic variants, reported in a patient with inattention, reduced motor coordination, gait abnormality, sleep disturbance, feeding issues, strabismus, and nystagmus (Trelles et al., 2021); Frameshift variant predicted to result in protein truncation or nonsense mediated decay in a gene for which loss-of-function is a known mechanism of disease; Not observed in large population cohorts (gnomAD); This variant is associated with the following publications: (PMID: 30564305, 34588003)

Ambry Genetics
Classification: Pathogenic for Inborn genetic diseases. Last evaluated: 2021-03-30. Review status: criteria provided, single submitter. Criteria: Ambry Variant Classification Scheme 2023. Collection method: clinical testing. Allele origin: germline.
Comment: The c.1240dupC (p.L414Pfs*47) alteration, located in exon 15 (coding exon 10) of the FOXP1 gene, consists of a duplication of C at position 1240, causing a translational frameshift with a predicted alternate stop codon after 47 amino acids. This alteration is expected to result in loss of function by premature protein truncation or nonsense-mediated mRNA decay. Based on data from the Genome Aggregation Database (gnomAD), the FOXP1 c.1240dupC alteration was not observed, with coverage at this position. Based on the available evidence, this alteration is classified as pathogenic.

Department of Genetics, Rouen University Hospital, Normandy Center for Genomic and Personalized Medicine
Classification: Pathogenic for Developmental disorder. Last evaluated: 2019-09-27. Review status: criteria provided, single submitter. Criteria: ACMG Guidelines, 2015. Collection method: clinical testing. Allele origin: unknown. Affected: yes.

Eurofins Ntd Llc (ga)
Classification: Pathogenic. Last evaluated: 2014-12-18. Review status: criteria provided, single submitter. Criteria: EGL Classification Definitions. Collection method: clinical testing. Allele origin: germline. Observed: 1 variant allele, 1 heterozygote.

Gene Discovery Core-Manton Center, Boston Children's Hospital
Classification: Pathogenic for Intellectual disability-severe speech delay-mild dysmorphism syndrome. Last evaluated: 2020-02-14. Review status: no assertion criteria provided. Collection method: research. Allele origin: germline. Affected: yes. Not counted in ClinVar's aggregate classification.
Comment: This variant is interpreted as Pathogenic for Mental retardation with language impairment and with or without autistic features; Autosomal Dominant. PVS1- Null variant (frameshift) in a gene where LOF is a known mechanism of disease. PM2- Absent from controls (gnomad). PP3- Multiple lines of computational evidence support a deleterious effect on the gene or gene product (conservation, evolutionary, splicing impact, etc.). PP5: Reputable source recently reports variant as pathogenic, but the evidence is not available to the laboratory to perform an independent evaluation, 2 nonconflicting ClinVar entries

Literature cited by the submitters: PubMed 30564305 (cited by Ambry Genetics).

NM_001349338.3(FOXP1):c.1240dup (p.Leu414fs)

Gene: FOXP1 (forkhead box P1; minus strand). Cytogenetic location: 3p13.
Variant type: Duplication.
Coding change: c.1240dup on transcript NM_001349338.3 (MANE Select); coding-DNA position 1240, one base duplicated (C; older notation c.1240dupC).
Protein change: p.Leu414fs; shifts the reading frame from leucine 414.
Molecular consequence: frameshift variant. On other transcripts: non-coding transcript variant (2).
Genome position (GRCh38, 1-based): chr3:70,977,936, G duplicated on the plus strand (C on the coding strand, the reverse complement: FOXP1 is on the minus strand); the first of 6 consecutive G bases (chr3:70,977,936-70,977,941); duplicating any one gives the same sequence. VCF-style (leftmost placement, unchanged base first): chr3-70977935-A-AG. GRCh37 (hg19) VCF-style: chr3-71027086-A-AG.
Other names: c.1240dup, p.Leu414fs (NM_001244808.3, NM_001244810.2, NM_001244814.3 and 3 more transcripts); c.1012dup, p.Leu338fs (NM_001244812.3); c.940dup, p.Leu314fs (NM_001244813.3, NM_001244815.2, NM_001349342.3 and 1 more transcripts); c.1240dupC (NM_032682.5); c.937dup, p.Leu313fs (NM_001349337.2, NM_001349343.3, NM_001349344.3); c.1237dup, p.Leu413fs (NM_001349341.3); short protein forms L414fs, L314fs, L313fs, L338fs, L413fs.
Identifiers: ClinVar variation 194567 (VCV000194567.13), dbSNP rs797044652, ClinGen allele CA302768.
Genomic context (GRCh38, chr3:70,977,935, plus strand): 5'-GGTCCCACCGTGTGCATGCTGGTGGTTGTGATGACAGAGGGGCCTTGGGTGACGGGAGTC[A>AG]GGGGGGCGGTTGGGGTCGTTGGAGTATGAGGTAAGCTCTGTGGAGAAGCCTCCGATGCGG-3'